The following is an entry in ClinVar:

ClinVar aggregate classification (germline): Benign/Likely benign. Review status: criteria provided, multiple submitters, no conflicts (2 of 4 stars). 5 submissions from 5 submitters: Benign (1); Likely benign (4). Last evaluated 2026-05-21.

Conditions:
Hereditary cancer-predisposing syndrome. Also called: Hereditary neoplastic syndrome; Neoplastic Syndromes, Hereditary; Hereditary Cancer Syndrome; Tumor predisposition. Identifiers: Orphanet 140162, MedGen C0027672, MeSH D009386, MONDO:0015356.
Cardiovascular phenotype. Identifiers: MedGen CN230736.
Neurofibromatosis, type 1 (NF1). Also called: Peripheral type neurofibromatosis; Neurofibromatosis, type I; VON RECKLINGHAUSEN DISEASE; NEUROFIBROMATOSIS, TYPE I, SOMATIC. Identifiers: Orphanet 636, MedGen C0027831, MONDO:0018975, OMIM 162200. Disease mechanism: loss of function.

Allele frequency attached by ClinVar (database versions not stated): gnomAD exomes below 0.00001; TOPMed 0.00001.
gnomAD v4.1: 2 of 1,612,750 alleles (0.00012%); highest among the groups gnomAD compares: Non-Finnish European, 0.00017%; no homozygotes.

Submissions (5):

Myriad Genetics, Inc.
Classification: Benign for Neurofibromatosis, type 1. Last evaluated: 2026-05-21. Review status: criteria provided, single submitter. Criteria: Myriad Autosomal Dominant, Autosomal Recessive and X-Linked Classification Criteria (2023). Collection method: clinical testing. Allele origin: unknown.
Comment: This variant is considered benign. This variant is a silent/synonymous amino acid change and it is not expected to impact splicing.

Labcorp Genetics (formerly Invitae), Labcorp
Classification: Likely benign for Neurofibromatosis, type 1. Last evaluated: 2025-11-09. Review status: criteria provided, single submitter. Criteria: Invitae Variant Classification Sherloc (09022015). Collection method: clinical testing. Allele origin: germline.

Genome-Nilou Lab
Classification: Likely benign for Neurofibromatosis, type 1. Last evaluated: 2022-03-15. Review status: criteria provided, single submitter. Criteria: ACMG Guidelines, 2015. Collection method: clinical testing. Allele origin: germline. Affected: no.

GeneDx
Classification: Likely benign. Last evaluated: 2021-02-08. Review status: criteria provided, single submitter. Criteria: GeneDx Variant Classification Process June 2021. Collection method: clinical testing. Allele origin: germline. Affected: yes.

Ambry Genetics
Classification: Likely benign for Cardiovascular phenotype; Hereditary cancer-predisposing syndrome. Last evaluated: 2016-11-15. Review status: criteria provided, single submitter. Criteria: Ambry Variant Classification Scheme 2023. Collection method: clinical testing. Allele origin: germline.

NM_001042492.3(NF1):c.7437T>C (p.His2479=)

Gene: NF1 (neurofibromin 1; plus strand). Cytogenetic location: 17q11.2.
Variant type: single nucleotide variant.
Coding change: c.7437T>C on transcript NM_001042492.3 (MANE Select); coding-DNA position 7437, T replaced by C.
Protein change: p.His2479=; no amino-acid change (histidine 2479 retained).
Molecular consequence: synonymous variant.
Genome position (GRCh38, 1-based): chr17:31,350,298, T>C. VCF-style: chr17-31350298-T-C. GRCh37 (hg19) VCF-style: chr17-29677316-T-C.
Other names: c.7374T>C, p.His2458= (NM_000267.4).
Identifiers: ClinVar variation 457844 (VCV000457844.57), dbSNP rs1355368926, ClinGen allele CA499239211.